The following is an entry in ClinVar:

ClinVar aggregate classification (germline): Uncertain significance. Review status: criteria provided, multiple submitters, no conflicts (2 of 4 stars). 2 submissions from 2 submitters: Uncertain significance (2). Last evaluated 2022-11-25.

Conditions:
Ataxia-telangiectasia-like disorder (ATLD). Identifiers: MedGen C1858391, MONDO:0011457.
Hereditary cancer-predisposing syndrome. Also called: Neoplastic Syndromes, Hereditary; Tumor predisposition; Hereditary Cancer Syndrome; Hereditary neoplastic syndrome. Identifiers: Orphanet 140162, MedGen C0027672, MeSH D009386, MONDO:0015356.

Allele frequency attached by ClinVar (database versions not stated): gnomAD 0.00001; gnomAD exomes 0.00002; TOPMed 0.00002.
gnomAD v4.1: 30 of 1,613,028 alleles (0.0019%); highest among the groups gnomAD compares: Admixed American, 0.0033%; no homozygotes.

Submissions (2):

Ambry Genetics
Classification: Uncertain significance for Hereditary cancer-predisposing syndrome. Last evaluated: 2022-11-25. Review status: criteria provided, single submitter. Criteria: Ambry Variant Classification Scheme 2023. Collection method: clinical testing. Allele origin: germline.
Comment: The p.V328G variant (also known as c.983T>G), located in coding exon 8 of the MRE11A gene, results from a T to G substitution at nucleotide position 983. The valine at codon 328 is replaced by glycine, an amino acid with dissimilar properties. This amino acid position is well conserved in available vertebrate species. In addition, the in silico prediction for this alteration is inconclusive. Since supporting evidence is limited at this time, the clinical significance of this alteration remains unclear.

Labcorp Genetics (formerly Invitae), Labcorp
Classification: Uncertain significance for Ataxia-telangiectasia-like disorder. Last evaluated: 2022-10-25. Review status: criteria provided, single submitter. Criteria: Invitae Variant Classification Sherloc (09022015). Collection method: clinical testing. Allele origin: germline.
Comment: This sequence change replaces valine, which is neutral and non-polar, with glycine, which is neutral and non-polar, at codon 328 of the MRE11 protein (p.Val328Gly). This variant is present in population databases (rs587782314, gnomAD 0.003%). This variant has not been reported in the literature in individuals affected with MRE11-related conditions. ClinVar contains an entry for this variant (Variation ID: 142217). Algorithms developed to predict the effect of missense changes on protein structure and function (SIFT, PolyPhen-2, Align-GVGD) all suggest that this variant is likely to be tolerated. In summary, the available evidence is currently insufficient to determine the role of this variant in disease. Therefore, it has been classified as a Variant of Uncertain Significance.

NM_005591.4(MRE11):c.983T>G (p.Val328Gly)

Gene: MRE11 (MRE11 double strand break repair nuclease; minus strand). Cytogenetic location: 11q21.
Variant type: single nucleotide variant.
Coding change: c.983T>G on transcript NM_005591.4 (MANE Select); coding-DNA position 983, T replaced by G.
Protein change: p.Val328Gly; replaces valine 328 with glycine.
Molecular consequence: missense variant.
Genome position (GRCh38, 1-based): chr11:94,470,505, A>C on the plus strand (T>G on the coding strand, the complement: MRE11 is on the minus strand). VCF-style: chr11-94470505-A-C. GRCh37 (hg19) VCF-style: chr11-94203671-A-C.
Other names: c.983T>G, p.Val328Gly (NM_001330347.2, NM_005590.4); short protein forms V328G.
Identifiers: ClinVar variation 142217 (VCV000142217.12), dbSNP rs587782314, ClinGen allele CA167782.